The following is an entry in ClinVar:

NM_001130144.3(LTBP3):c.559G>A (p.Ala187Thr)

Gene: LTBP3 (latent transforming growth factor beta binding protein 3; minus strand). Cytogenetic location: 11q13.1.
Variant type: single nucleotide variant.
Coding change: c.559G>A on transcript NM_001130144.3 (MANE Select); coding-DNA position 559, G replaced by A.
Protein change: p.Ala187Thr; replaces alanine 187 with threonine.
Molecular consequence: missense variant.
Genome position (GRCh38, 1-based): chr11:65,554,153, C>T on the plus strand (G>A on the coding strand, the complement: LTBP3 is on the minus strand). VCF-style: chr11-65554153-C-T. GRCh37 (hg19) VCF-style: chr11-65321624-C-T.
Other names: c.559G>A (NM_001130144.2); c.208G>A, p.Ala70Thr (NM_001164266.1); c.559G>A, p.Ala187Thr (NM_021070.4); short protein forms A187T, A70T.
Identifiers: ClinVar variation 2156809 (VCV002156809.6), dbSNP rs760470799, ClinGen allele CA6101207.

ClinVar aggregate classification (germline): Uncertain significance. Review status: criteria provided, multiple submitters, no conflicts (2 of 4 stars). 3 submissions from 3 submitters: Uncertain significance (3). Last evaluated 2026-09-09.

Conditions:
LTBP3-related disorder. Also called: LTBP3-related condition.
Brachyolmia-amelogenesis imperfecta syndrome. Also called: Tooth agenesis, selective, 6; Dental anomalies and short stature; PLATYSPONDYLY WITH AMELOGENESIS IMPERFECTA. Identifiers: Orphanet 2899, MedGen C1832594, MONDO:0011018, OMIM 601216. Disease mechanism: loss of function.
Inborn genetic diseases. Identifiers: MedGen C0950123, MeSH D030342.

Allele frequency attached by ClinVar (database versions not stated): gnomAD exomes below 0.00001; TOPMed below 0.00001; ExAC 0.00001; gnomAD 0.00001.
gnomAD v4.1: 3 of 1,611,886 alleles (0.00019%); highest among the groups gnomAD compares: South Asian, 0.0033%; no homozygotes.

Submissions (3):

PreventionGenetics, part of Exact Sciences
Classification: Uncertain significance for LTBP3-related condition. Last evaluated: 2026-09-09. Review status: criteria provided, single submitter. Criteria: ACMG Guidelines, 2015. Collection method: clinical testing. Allele origin: germline.
Comment: The LTBP3 c.559G>A variant is predicted to result in the amino acid substitution p.Ala187Thr. To our knowledge, this variant has not been reported in the literature. This variant is reported in 0.0055% of alleles in individuals of East Asian descent in gnomAD. At this time, the clinical significance of this variant is uncertain due to the absence of conclusive functional and genetic evidence.

Ambry Genetics
Classification: Uncertain significance for Inborn genetic diseases. Last evaluated: 2025-03-01. Review status: criteria provided, single submitter. Criteria: Ambry Variant Classification Scheme 2023. Collection method: clinical testing. Allele origin: germline.

Labcorp Genetics (formerly Invitae), Labcorp
Classification: Uncertain significance for Brachyolmia-amelogenesis imperfecta syndrome. Last evaluated: 2025-01-13. Review status: criteria provided, single submitter. Criteria: Invitae Variant Classification Sherloc (09022015). Collection method: clinical testing. Allele origin: germline.
Comment: This sequence change replaces alanine, which is neutral and non-polar, with threonine, which is neutral and polar, at codon 187 of the LTBP3 protein (p.Ala187Thr). This variant is present in population databases (rs760470799, gnomAD 0.006%). This variant has not been reported in the literature in individuals affected with LTBP3-related conditions. ClinVar contains an entry for this variant (Variation ID: 2156809). An algorithm developed to predict the effect of missense changes on protein structure and function (PolyPhen-2) suggests that this variant is likely to be disruptive. In summary, the available evidence is currently insufficient to determine the role of this variant in disease. Therefore, it has been classified as a Variant of Uncertain Significance.